The following is an entry in ClinVar:

ClinVar aggregate classification (germline): Uncertain significance (1 of 4 stars; one submission).

Allele frequency attached by ClinVar (database versions not stated): gnomAD exomes below 0.00001.
gnomAD v4.1: 1 of 1,614,138 alleles (0.000062%); no homozygotes.

Submission:

Labcorp Genetics (formerly Invitae), Labcorp
Classification: Uncertain significance. Last evaluated: 2019-11-13. Review status: criteria provided, single submitter. Criteria: Invitae Variant Classification Sherloc (09022015). Collection method: clinical testing. Allele origin: germline.
Comment: This sequence change replaces alanine with glycine at codon 546 of the POLE protein (p.Ala546Gly). The alanine residue is highly conserved and there is a small physicochemical difference between alanine and glycine. This variant is not present in population databases (ExAC no frequency). This variant has not been reported in the literature in individuals with POLE-related conditions. Algorithms developed to predict the effect of missense changes on protein structure and function are either unavailable or do not agree on the potential impact of this missense change (SIFT: "Deleterious"; PolyPhen-2: "Probably Damaging"; Align-GVGD: "Class C0"). In summary, the available evidence is currently insufficient to determine the role of this variant in disease. Therefore, it has been classified as a Variant of Uncertain Significance.

NM_006231.4(POLE):c.1637C>G (p.Ala546Gly)

Gene: POLE (DNA polymerase epsilon, catalytic subunit; minus strand). Cytogenetic location: 12q24.33.
Variant type: single nucleotide variant.
Coding change: c.1637C>G on transcript NM_006231.4 (MANE Select); coding-DNA position 1637, C replaced by G.
Protein change: p.Ala546Gly; replaces alanine 546 with glycine.
Molecular consequence: missense variant.
Genome position (GRCh38, 1-based): chr12:132,672,676, G>C on the plus strand (C>G on the coding strand, the complement: POLE is on the minus strand). VCF-style: chr12-132672676-G-C. GRCh37 (hg19) VCF-style: chr12-133249262-G-C.
Other names: short protein forms A546G.
Identifiers: ClinVar variation 963963 (VCV000963963.9), dbSNP rs1374521712, ClinGen allele CA387356644.